The following is an entry in ClinVar:

ClinVar aggregate classification (germline): Conflicting classifications of pathogenicity. Review status: criteria provided, conflicting classifications (1 of 4 stars). 8 submissions from 8 submitters: Uncertain significance (1); Benign (2); Likely benign (5). Last evaluated 2026-06-02.

Conditions:
AXIN2-related disorder.
Hereditary cancer-predisposing syndrome. Also called: Hereditary Cancer Syndrome; Tumor predisposition; Hereditary neoplastic syndrome; Neoplastic Syndromes, Hereditary. Identifiers: Orphanet 140162, MedGen C0027672, MeSH D009386, MONDO:0015356.
Oligodontia-cancer predisposition syndrome. Also called: TOOTH AGENESIS-COLORECTAL CANCER SYNDROME. Identifiers: Orphanet 300576, MedGen C1837750, MONDO:0012075, OMIM 608615. Disease mechanism: loss of function.

Allele frequency attached by ClinVar (database versions not stated): gnomAD exomes 0.00003; TOPMed 0.00006.
gnomAD v4.1: 101 of 1,613,938 alleles (0.0063%); highest among the groups gnomAD compares: Non-Finnish European, 0.0078%; no homozygotes.

Submissions (8):

PreventionGenetics, part of Exact Sciences
Classification: Likely benign for AXIN2-related condition. Last evaluated: 2026-06-02. Review status: criteria provided, single submitter. Criteria: ACMG Guidelines, 2015. Collection method: clinical testing. Allele origin: germline.
Comment: This variant is classified as likely benign based on ACMG/AMP sequence variant interpretation guidelines (Richards et al. 2015 PMID: 25741868, with internal and published modifications).

Labcorp Genetics (formerly Invitae), Labcorp
Classification: Likely benign for Oligodontia-cancer predisposition syndrome. Last evaluated: 2026-01-27. Review status: criteria provided, single submitter. Criteria: Invitae Variant Classification Sherloc (09022015). Collection method: clinical testing. Allele origin: germline.

Center for Genomic Medicine, Rigshospitalet, Copenhagen University Hospital
Classification: Likely benign. Last evaluated: 2025-12-29. Review status: criteria provided, single submitter. Criteria: ACMG Guidelines, 2015. Collection method: clinical testing. Allele origin: germline.

Myriad Genetics, Inc.
Classification: Benign for Oligodontia-cancer predisposition syndrome. Last evaluated: 2024-07-05. Review status: criteria provided, single submitter. Criteria: Myriad Autosomal Dominant, Autosomal Recessive and X-Linked Classification Criteria (2023). Collection method: clinical testing. Allele origin: unknown.
Comment: This variant is considered benign. This variant is a silent/synonymous amino acid change and it is not expected to impact splicing.

Quest Diagnostics Nichols Institute San Juan Capistrano
Classification: Likely benign. Last evaluated: 2023-09-08. Review status: criteria provided, single submitter. Criteria: Quest Diagnostics criteria. Collection method: clinical testing. Allele origin: unknown.

Sema4
Classification: Uncertain significance for Hereditary cancer-predisposing syndrome. Last evaluated: 2021-11-03. Review status: criteria provided, single submitter. Criteria: Sema4 Curation Guidelines. Collection method: curation. Allele origin: germline.
Comment: The AXIN2 c.1635G>A (p.G545=) variant has been reported in at least one individual with colorectal cancer (PMID: 33193653). It was observed in 8/113586 chromosomes of the Non-Finnish European subpopulation in the large and broad cohorts of the Genome Aggregation Database (PMID: 32461654). This variant has been reported in ClinVar (Variation ID 415206). In silico splice prediction tools suggest that the variant may have an impact on splicing, though these predictions have not been confirmed by functional studies. The evidence is insufficient to meet ACMG/AMP criteria for classifying the variant as benign or pathogenic. Thus, the clinical significance of this variant is currently uncertain.

Ambry Genetics
Classification: Likely benign for Hereditary cancer-predisposing syndrome. Last evaluated: 2019-07-22. Review status: criteria provided, single submitter. Criteria: Ambry Variant Classification Scheme 2023. Collection method: clinical testing. Allele origin: germline.

GeneDx
Classification: Benign. Last evaluated: 2015-03-26. Review status: criteria provided, single submitter. Criteria: GeneDx Variant Classification Process June 2021. Collection method: clinical testing. Allele origin: germline. Affected: yes.

Literature cited by the submitters: PubMed 33193653 (cited by Quest Diagnostics Nichols Institute San Juan Capistrano and Sema4).

NM_004655.4(AXIN2):c.1635G>A (p.Gly545=)

Gene: AXIN2 (axin 2; minus strand). Cytogenetic location: 17q24.1.
Variant type: single nucleotide variant.
Coding change: c.1635G>A on transcript NM_004655.4 (MANE Select); coding-DNA position 1635, G replaced by A.
Protein change: p.Gly545=; no amino-acid change (glycine 545 retained).
Molecular consequence: synonymous variant.
Genome position (GRCh38, 1-based): chr17:65,537,401, C>T on the plus strand (G>A on the coding strand, the complement: AXIN2 is on the minus strand). VCF-style: chr17-65537401-C-T. GRCh37 (hg19) VCF-style: chr17-63533519-C-T.
Other names: c.1635G>A (LRG_296t1); c.1635G>A, p.Gly545= (NM_001363813.1).
Identifiers: ClinVar variation 415206 (VCV000415206.22), dbSNP rs778710067, ClinGen allele CA8718590.